The following is an entry in ClinVar:

NM_000038.6(APC):c.8190C>T (p.Ala2730=)

Gene: APC (APC regulator of Wnt signaling pathway; plus strand). Cytogenetic location: 5q22.2.
Variant type: single nucleotide variant.
Coding change: c.8190C>T on transcript NM_000038.6 (MANE Select); coding-DNA position 8190, C replaced by T.
Protein change: p.Ala2730=; no amino-acid change (alanine 2730 retained).
Molecular consequence: synonymous variant. On other transcripts: non-coding transcript variant (2).
Genome position (GRCh38, 1-based): chr5:112,843,784, C>T. VCF-style: chr5-112843784-C-T. GRCh37 (hg19) VCF-style: chr5-112179481-C-T.
Other names: c.7887C>T, p.Ala2629= (NM_001407459.1, NM_001407460.1, NM_001354903.2 and 1 more transcripts); c.7803C>T, p.Ala2601= (NM_001407467.1, NM_001407469.1); c.7341C>T, p.Ala2447= (NM_001407470.1, NM_001354906.2); c.7038C>T, p.Ala2346= (NM_001407471.1, NM_001407472.1); c.8190C>T, p.Ala2730= (NM_001127510.3, NM_001354895.2, NM_001407450.1); c.8136C>T, p.Ala2712= (NM_001127511.3); c.8244C>T, p.Ala2748= (NM_001354896.2, NM_001407447.1, NM_001407448.1 and 1 more transcripts); c.8220C>T, p.Ala2740= (NM_001354897.2); and 12 more.
Identifiers: ClinVar variation 3253984 (VCV003253984.2), dbSNP rs2150000682.

ClinVar aggregate classification (germline): Benign/Likely benign. Review status: criteria provided, multiple submitters, no conflicts (2 of 4 stars). 2 submissions from 2 submitters: Benign (1); Likely benign (1). Last evaluated 2026-03-30.

Conditions:
Hereditary cancer-predisposing syndrome. Also called: Neoplastic Syndromes, Hereditary; Tumor predisposition; Hereditary Cancer Syndrome; Hereditary neoplastic syndrome. Identifiers: Orphanet 140162, MedGen C0027672, MeSH D009386, MONDO:0015356.
Familial adenomatous polyposis 1 (FAP1). Also called: FAMILIAL ADENOMATOUS POLYPOSIS 1, ATTENUATED; POLYPOSIS, ADENOMATOUS INTESTINAL. Identifiers: MedGen C2713442, MONDO:0021056, OMIM 175100. Disease mechanism: loss of function.

Submissions (2):

Ambry Genetics
Classification: Likely benign for Hereditary cancer-predisposing syndrome. Last evaluated: 2026-03-30. Review status: criteria provided, single submitter. Criteria: Ambry Variant Classification Scheme 2023. Collection method: clinical testing. Allele origin: germline.

Myriad Genetics, Inc.
Classification: Benign for Familial adenomatous polyposis 1. Last evaluated: 2024-04-12. Review status: criteria provided, single submitter. Criteria: Myriad Autosomal Dominant, Autosomal Recessive and X-Linked Classification Criteria (2023). Collection method: clinical testing. Allele origin: unknown.
Comment: This variant is considered benign. This variant is a silent/synonymous amino acid change and it is not expected to impact splicing.